The following is an entry in ClinVar:

ClinVar aggregate classification (germline): Uncertain significance (1 of 4 stars; one submission).

gnomAD v4.1: 46 of 1,596,728 alleles (0.0029%); highest among the groups gnomAD compares: South Asian, 0.019%; no homozygotes.

Submission:

Labcorp Genetics (formerly Invitae), Labcorp
Classification: Uncertain significance. Last evaluated: 2023-07-07. Review status: criteria provided, single submitter. Criteria: Invitae Variant Classification Sherloc (09022015). Collection method: clinical testing. Allele origin: germline.
Comment: This sequence change replaces glutamic acid, which is acidic and polar, with lysine, which is basic and polar, at codon 305 of the LZTS1 protein (p.Glu305Lys). This variant is present in population databases (rs528144165, gnomAD 0.05%), and has an allele count higher than expected for a pathogenic variant. This variant has not been reported in the literature in individuals affected with LZTS1-related conditions. ClinVar contains an entry for this variant (Variation ID: 2420201). Advanced modeling of protein sequence and biophysical properties (such as structural, functional, and spatial information, amino acid conservation, physicochemical variation, residue mobility, and thermodynamic stability) performed at Invitae indicates that this missense variant is expected to disrupt LZTS1 protein function. In summary, the available evidence is currently insufficient to determine the role of this variant in disease. Therefore, it has been classified as a Variant of Uncertain Significance.

NM_021020.5(LZTS1):c.913G>A (p.Glu305Lys)

Gene: LZTS1 (leucine zipper tumor suppressor 1; minus strand). Cytogenetic location: 8p21.3.
Variant type: single nucleotide variant.
Coding change: c.913G>A on transcript NM_021020.5 (MANE Select); coding-DNA position 913, G replaced by A.
Protein change: p.Glu305Lys; replaces glutamic acid 305 with lysine.
Molecular consequence: missense variant.
Genome position (GRCh38, 1-based): chr8:20,253,018, C>T on the plus strand (G>A on the coding strand, the complement: LZTS1 is on the minus strand). VCF-style: chr8-20253018-C-T. GRCh37 (hg19) VCF-style: chr8-20110529-C-T.
Other names: c.913G>A, p.Glu305Lys (NM_001362884.2); short protein forms E305K.
Identifiers: ClinVar variation 2420201 (VCV002420201.6), dbSNP rs528144165, ClinGen allele CA4657406.
Genomic context (GRCh38, chr8:20,253,018, plus strand): 5'-GGCTCTTCTGCGAGGCCTGCTTGAGCTTGTTGCCGCCTTTGGGCTCCGGGCCCTCCAGCT[C>T]GTCCCTGCAGCGCCGCGGCCGCTCCTCGTAGGCCAGGCTGGAGGCAAGCTCCTTCTCCTC-3'
Protein context (NP_066300.1, residues 295-315): YEERPRRCRD[Glu305Lys]LEGPEPKGGN